The following is an entry in ClinVar:

NM_003072.5(SMARCA4):c.3869T>G (p.Leu1290Arg)

Gene: SMARCA4 (SWI/SNF related BAF chromatin remodeling complex subunit ATPase 4; plus strand). Cytogenetic location: 19p13.2.
Variant type: single nucleotide variant.
Coding change: c.3869T>G on transcript NM_003072.5 (MANE Select); coding-DNA position 3869, T replaced by G.
Protein change: p.Leu1290Arg; replaces leucine 1290 with arginine.
Molecular consequence: missense variant. On other transcripts: intron variant (6).
Genome position (GRCh38, 1-based): chr19:11,033,861, T>G. VCF-style: chr19-11033861-T-G. GRCh37 (hg19) VCF-style: chr19-11144537-T-G.
Other names: c.3869T>G, p.Leu1290Arg (NM_001128844.3, NM_001128849.3, NM_001387283.1); c.3775-262T>G (NM_001128847.4, NM_001411150.1, NM_001374457.1 and 3 more transcripts); short protein forms L1290R.
Identifiers: ClinVar variation 3320735 (VCV003320735.1).
Genomic context (GRCh38, chr19:11,033,861, plus strand): 5'-GCTTCGCCCACACTGCCCCTCCGCCAGCGGGCGTCAACCCCGACTTGGAGGAGCCACCTC[T>G]AAAGGTGAGAGGGGTAGTTCAGTCTCCATGCCCATTCAATCCTCGGCTTCTCGGCTGAGA-3'
Protein context (NP_003063.2, residues 1280-1300): GVNPDLEEPP[Leu1290Arg]KEEDEVPDDE

ClinVar aggregate classification (germline): Uncertain significance (1 of 4 stars; one submission).

Conditions:
Hereditary cancer-predisposing syndrome. Also called: Neoplastic Syndromes, Hereditary; Tumor predisposition; Hereditary neoplastic syndrome; Hereditary Cancer Syndrome. Identifiers: Orphanet 140162, MedGen C0027672, MeSH D009386, MONDO:0015356.

Submission:

Ambry Genetics
Classification: Uncertain significance for Hereditary cancer-predisposing syndrome. Last evaluated: 2024-05-01. Review status: criteria provided, single submitter. Criteria: Ambry Variant Classification Scheme 2023. Collection method: clinical testing. Allele origin: germline.
Comment: The p.L1290R variant (also known as c.3869T>G), located in coding exon 26 of the SMARCA4 gene, results from a T to G substitution at nucleotide position 3869. The leucine at codon 1290 is replaced by arginine, an amino acid with dissimilar properties. This amino acid position is conserved. In addition, the in silico prediction for this alteration is inconclusive. Based on the available evidence, the clinical significance of this variant remains unclear.